The following is an entry in ClinVar:

ClinVar aggregate classification (germline): Uncertain significance (1 of 4 stars; one submission).

Conditions:
Intellectual developmental disorder, autosomal dominant 1. Also called: MBD5 Haploinsufficiency; Intellectual disability, autosomal dominant 1. Identifiers: Orphanet 228402, MedGen C1969562, MONDO:0007974, OMIM 156200.

Submission:

Labcorp Genetics (formerly Invitae), Labcorp
Classification: Uncertain significance for Intellectual developmental disorder, autosomal dominant 1. Last evaluated: 2024-12-03. Review status: criteria provided, single submitter. Criteria: Invitae Variant Classification Sherloc (09022015). Collection method: clinical testing. Allele origin: germline.
Comment: This sequence change replaces leucine, which is neutral and non-polar, with isoleucine, which is neutral and non-polar, at codon 1038 of the MBD5 protein (p.Leu1038Ile). This variant is not present in population databases (gnomAD no frequency). This variant has not been reported in the literature in individuals affected with MBD5-related conditions. Invitae Evidence Modeling of protein sequence and biophysical properties (such as structural, functional, and spatial information, amino acid conservation, physicochemical variation, residue mobility, and thermodynamic stability) indicates that this missense variant is not expected to disrupt MBD5 protein function with a negative predictive value of 80%. In summary, the available evidence is currently insufficient to determine the role of this variant in disease. Therefore, it has been classified as a Variant of Uncertain Significance.

NM_001378120.1(MBD5):c.3811C>A (p.Leu1271Ile)

Gene: MBD5 (methyl-CpG binding domain protein 5; plus strand). Cytogenetic location: 2q23.1.
Variant type: single nucleotide variant.
Coding change: c.3811C>A on transcript NM_001378120.1 (MANE Select); coding-DNA position 3811, C replaced by A.
Protein change: p.Leu1271Ile; replaces leucine 1271 with isoleucine.
Molecular consequence: missense variant.
Genome position (GRCh38, 1-based): chr2:148,489,443, C>A. VCF-style: chr2-148489443-C-A. GRCh37 (hg19) VCF-style: chr2-149247012-C-A.
Other names: c.3112C>A, p.Leu1038Ile (NM_018328.5); short protein forms L1271I, L1038I.
Identifiers: ClinVar variation 3663169 (VCV003663169.2).